The following is an entry in ClinVar:

ClinVar aggregate classification (germline): Uncertain significance. Review status: criteria provided, multiple submitters, no conflicts (2 of 4 stars). 2 submissions from 2 submitters: Uncertain significance (2). Last evaluated 2023-08-02.

Conditions:
Hypertrophic cardiomyopathy 25 (CMH25). Also called: CARDIOMYOPATHY, FAMILIAL HYPERTROPHIC, 25. Identifiers: MedGen C4225408, MONDO:0011843, OMIM 607487.
Primary familial hypertrophic cardiomyopathy (HCM). Identifiers: Orphanet 99739, MedGen C0949658, MeSH D024741, MONDO:0024573. Inheritance: Various modes of inheritance.

Submissions (2):

Labcorp Genetics (formerly Invitae), Labcorp
Classification: Uncertain significance for Hypertrophic cardiomyopathy 25; Primary familial hypertrophic cardiomyopathy. Last evaluated: 2023-08-02. Review status: criteria provided, single submitter. Criteria: Invitae Variant Classification Sherloc (09022015). Collection method: clinical testing. Allele origin: germline.
Comment: This sequence change replaces methionine, which is neutral and non-polar, with valine, which is neutral and non-polar, at codon 68 of the TCAP protein (p.Met68Val). In summary, the available evidence is currently insufficient to determine the role of this variant in disease. Therefore, it has been classified as a Variant of Uncertain Significance. Algorithms developed to predict the effect of missense changes on protein structure and function output the following: SIFT: "Not Available"; PolyPhen-2: "Benign"; Align-GVGD: "Not Available". The valine amino acid residue is found in multiple mammalian species, which suggests that this missense change does not adversely affect protein function. ClinVar contains an entry for this variant (Variation ID: 1212341). This variant has not been reported in the literature in individuals affected with TCAP-related conditions. This variant is not present in population databases (gnomAD no frequency).

GeneDx
Classification: Uncertain significance. Last evaluated: 2020-10-28. Review status: criteria provided, single submitter. Criteria: GeneDx Variant Classification Process June 2021. Collection method: clinical testing. Allele origin: germline. Affected: yes.
Comment: Has not been previously published as pathogenic or benign to our knowledge; Not observed in large population cohorts (Lek et al., 2016); In silico analysis supports that this missense variant does not alter protein structure/function

NM_003673.4(TCAP):c.202A>G (p.Met68Val)

Gene: TCAP (titin-cap; plus strand). Cytogenetic location: 17q12.
Variant type: single nucleotide variant.
Coding change: c.202A>G on transcript NM_003673.4 (MANE Select); coding-DNA position 202, A replaced by G.
Protein change: p.Met68Val; replaces methionine 68 with valine.
Molecular consequence: missense variant.
Genome position (GRCh38, 1-based): chr17:39,665,807, A>G. VCF-style: chr17-39665807-A-G. GRCh37 (hg19) VCF-style: chr17-37822060-A-G.
Other names: short protein forms M68V.
Identifiers: ClinVar variation 1212341 (VCV001212341.8), dbSNP rs770133993, ClinGen allele CA399304125.